The following is an entry in ClinVar:

ClinVar aggregate classification (germline): Conflicting classifications of pathogenicity. Review status: criteria provided, conflicting classifications (1 of 4 stars). 2 submissions from 2 submitters: Uncertain significance (1); Likely benign (1). Last evaluated 2025-08-31.

Conditions:
Hereditary cancer-predisposing syndrome. Also called: Tumor predisposition; Hereditary Cancer Syndrome; Neoplastic Syndromes, Hereditary; Hereditary neoplastic syndrome. Identifiers: Orphanet 140162, MedGen C0027672, MeSH D009386, MONDO:0015356.

Submissions (2):

Ambry Genetics
Classification: Uncertain significance for Hereditary cancer-predisposing syndrome. Last evaluated: 2025-08-31. Review status: criteria provided, single submitter. Criteria: Ambry Variant Classification Scheme 2023. Collection method: clinical testing. Allele origin: germline.
Comment: The p.F958S variant (also known as c.2873T>C), located in coding exon 9 of the BRCA1 gene, results from a T to C substitution at nucleotide position 2873. The phenylalanine at codon 958 is replaced by serine, an amino acid with highly dissimilar properties. This amino acid position is conserved. In addition, the in silico prediction for this alteration is inconclusive. Since supporting evidence is limited at this time, the clinical significance of this alteration remains unclear.

University of Washington Department of Laboratory Medicine, University of Washington
Classification: Likely benign for Hereditary cancer-predisposing syndrome. Last evaluated: 2023-03-23. Review status: criteria provided, single submitter. Criteria: Dines et al. (Genet Med. 2020). Collection method: curation. Allele origin: germline.
Comment: Missense variant in a coldspot region where missense variants are very unlikely to be pathogenic (PMID:31911673).

BRCA1 coldspot (exon 11 using historical exon numbering). Reclassification based on statistical prior probability

NM_007294.4(BRCA1):c.2873T>C (p.Phe958Ser)

Gene: BRCA1 (BRCA1 DNA repair associated; minus strand). Cytogenetic location: 17q21.31.
Variant type: single nucleotide variant.
Coding change: c.2873T>C on transcript NM_007294.4 (MANE Select); coding-DNA position 2873, T replaced by C.
Protein change: p.Phe958Ser; replaces phenylalanine 958 with serine.
Molecular consequence: missense variant. On other transcripts: intron variant (137).
Genome position (GRCh38, 1-based): chr17:43,092,658, A>G on the plus strand (T>C on the coding strand, the complement: BRCA1 is on the minus strand). VCF-style: chr17-43092658-A-G. GRCh37 (hg19) VCF-style: chr17-41244675-A-G.
Other names: c.2606T>C, p.Phe869Ser (NM_001407936.1, NM_001407930.1, NM_001407931.1 and 2 more transcripts); c.2750T>C, p.Phe917Ser (NM_001407937.1, NM_001407938.1, NM_001407939.1 and 19 more transcripts); c.2747T>C, p.Phe916Ser (NM_001407940.1, NM_001407941.1, NM_001407649.1 and 11 more transcripts); c.2732T>C, p.Phe911Ser (NM_001407942.1, NM_001407944.1, NM_001407945.1 and 29 more transcripts); c.2729T>C, p.Phe910Ser (NM_001407943.1, NM_001407964.1, NM_001407740.1 and 20 more transcripts); c.2540T>C, p.Phe847Ser (NM_001407946.1, NM_001407947.1, NM_001407948.1 and 6 more transcripts); c.2537T>C, p.Phe846Ser (NM_001407954.1, NM_001407955.1, NM_001407956.1 and 1 more transcripts); c.2492T>C, p.Phe831Ser (NM_001407959.1, NM_001407960.1, NM_001407963.1); and 41 more; short protein forms F846S, F869S, F888S, F917S, F790S, F831S, F887S, F911S.
Identifiers: ClinVar variation 1797075 (VCV001797075.5), dbSNP rs2154354969, ClinGen allele CA10596241.
Genomic context (GRCh38, chr17:43,092,658, plus strand): 5'-TATGGGTTTTGTAAAAGTCCATGTTTATTTGGAGTAATGAGTCCAGTTTCGTTGCCTCTG[A>G]ACTGAGATGATAGACAAAACCTAGAGCCTCCTTTGATACTACATTTGGCATTATCAACTG-3'
Protein context (NP_009225.1, residues 948-968): GGSRFCLSSQ[Phe958Ser]RGNETGLITP